The following is an entry in ClinVar:

NM_000083.3(CLCN1):c.2348del (p.Lys783fs)

Gene: CLCN1 (chloride voltage-gated channel 1; plus strand). Cytogenetic location: 7q34.
Variant type: Deletion.
Coding change: c.2348del on transcript NM_000083.3 (MANE Select); coding-DNA position 2348, one base deleted (A; older notation c.2348delA).
Protein change: p.Lys783fs; shifts the reading frame from lysine 783.
Molecular consequence: frameshift variant. On other transcripts: non-coding transcript variant (1).
Genome position (GRCh38, 1-based): chr7:143,346,642, A deleted; the last of 3 consecutive A bases (chr7:143,346,640-143,346,642); deleting any one gives the same sequence. VCF-style (leftmost placement, unchanged base first): chr7-143346639-CA-C. GRCh37 (hg19) VCF-style: chr7-143043732-CA-C.
Other names: short protein forms K783fs.
Identifiers: ClinVar variation 4784134 (VCV004784134.1).

ClinVar aggregate classification (germline): Pathogenic (1 of 4 stars; one submission).

Conditions:
Congenital myotonia, autosomal dominant form (THD). Also called: THOMSEN DISEASE; Myotonia congenita autosomal dominant. Identifiers: Orphanet 614, MedGen C2936781, MONDO:0008055, OMIM 160800.
Congenital myotonia, autosomal recessive form. Also called: BECKER DISEASE; Becker Generalized Myotonia; myotonia congenita, autosomal recessive. Identifiers: Orphanet 614, MedGen C0751360, MONDO:0009715, OMIM 255700.

Submission:

Labcorp Genetics (formerly Invitae), Labcorp
Classification: Pathogenic for Congenital myotonia, autosomal recessive form; Congenital myotonia, autosomal dominant form. Last evaluated: 2025-02-11. Review status: criteria provided, single submitter. Criteria: Invitae Variant Classification Sherloc (09022015). Collection method: clinical testing. Allele origin: germline.
Comment: This sequence change creates a premature translational stop signal (p.Lys783Argfs*11) in the CLCN1 gene. It is expected to result in an absent or disrupted protein product. Loss-of-function variants in CLCN1 are known to be pathogenic (PMID: 17932099, 22094069, 23739125). This variant is not present in population databases (gnomAD no frequency). This variant has not been reported in the literature in individuals affected with CLCN1-related conditions. For these reasons, this variant has been classified as Pathogenic.

Literature cited by the submitters: PubMed 17932099; PubMed 22094069; PubMed 23739125.